The following is an entry in ClinVar:

ClinVar aggregate classification (germline): Uncertain significance (1 of 4 stars; one submission).

Submission:

Labcorp Genetics (formerly Invitae), Labcorp
Classification: Uncertain significance. Last evaluated: 2022-08-18. Review status: criteria provided, single submitter. Criteria: Invitae Variant Classification Sherloc (09022015). Collection method: clinical testing. Allele origin: germline.
Comment: Algorithms developed to predict the effect of missense changes on protein structure and function are either unavailable or do not agree on the potential impact of this missense change (SIFT: "Tolerated"; PolyPhen-2: "Probably Damaging"; Align-GVGD: "Class C0"). Algorithms developed to predict the effect of sequence changes on RNA splicing suggest that this variant may create or strengthen a splice site. In summary, the available evidence is currently insufficient to determine the role of this variant in disease. Therefore, it has been classified as a Variant of Uncertain Significance. This variant has not been reported in the literature in individuals affected with TUBGCP6-related conditions. This sequence change replaces tyrosine, which is neutral and polar, with phenylalanine, which is neutral and non-polar, at codon 1799 of the TUBGCP6 protein (p.Tyr1799Phe). This variant is not present in population databases (gnomAD no frequency).

NM_020461.4(TUBGCP6):c.5396A>T (p.Tyr1799Phe)

Gene: TUBGCP6 (tubulin gamma complex component 6; minus strand). Cytogenetic location: 22q13.33.
Variant type: single nucleotide variant.
Coding change: c.5396A>T on transcript NM_020461.4 (MANE Select); coding-DNA position 5396, A replaced by T.
Protein change: p.Tyr1799Phe; replaces tyrosine 1799 with phenylalanine.
Molecular consequence: missense variant.
Genome position (GRCh38, 1-based): chr22:50,217,800, T>A on the plus strand (A>T on the coding strand, the complement: TUBGCP6 is on the minus strand). VCF-style: chr22-50217800-T-A. GRCh37 (hg19) VCF-style: chr22-50656229-T-A.
Other names: short protein forms Y1799F.
Identifiers: ClinVar variation 1716645 (VCV001716645.5), dbSNP rs2064439997, ClinGen allele CA412161543.